The following is an entry in ClinVar:

NM_004370.6(COL12A1):c.7637del (p.Ser2546fs)

Gene: COL12A1 (collagen type XII alpha 1 chain; minus strand). Cytogenetic location: 6q13.
Variant type: Deletion.
Coding change: c.7637del on transcript NM_004370.6 (MANE Select); coding-DNA position 7637, one base deleted (C; older notation c.7637delC).
Protein change: p.Ser2546fs; shifts the reading frame from serine 2546.
Molecular consequence: frameshift variant.
Genome position (GRCh38, 1-based): chr6:75,115,844, G deleted on the plus strand (C on the coding strand, the reverse complement: COL12A1 is on the minus strand). VCF-style (leftmost placement, unchanged base first): chr6-75115843-AG-A. GRCh37 (hg19) VCF-style: chr6-75825559-AG-A.
Other names: c.7637del, p.Ser2546fs (NM_001424113.1); c.7616del, p.Ser2539fs (NM_001424114.1); c.7364del, p.Ser2455fs (NM_001424115.1); c.4145del, p.Ser1382fs (NM_001424116.1, NM_080645.3); short protein forms S1382fs, S2455fs, S2539fs, S2546fs.
Identifiers: ClinVar variation 2944361 (VCV002944361.3), dbSNP rs2533180988, ClinGen allele CA2740091407.
Genomic context (GRCh38, chr6:75,115,843, plus strand): 5'-CGCTGTAGGCTGATTCACAAACGCATTCTTCTGAATCCTGTATGCTGAGTAGCTGGGGAA[AG>A]ACCCTGACTCCAAAGATACTCCTTGTACAGAAGCAAAATTCTTTTCTGTCAGGTTGTATG-3'

ClinVar aggregate classification (germline): Pathogenic (1 of 4 stars; one submission).

Conditions:
Ullrich congenital muscular dystrophy 2 (UCMD2). Identifiers: Orphanet 75840, MedGen C4225314, MONDO:0014654, OMIM 616470.
Bethlem myopathy 2 (BTHLM2). Identifiers: Orphanet 536516, Orphanet 610, MedGen C4225313, MONDO:0034022, OMIM 616471.

Submission:

Labcorp Genetics (formerly Invitae), Labcorp
Classification: Pathogenic for Bethlem myopathy 2; Ullrich congenital muscular dystrophy 2. Last evaluated: 2023-02-16. Review status: criteria provided, single submitter. Criteria: Invitae Variant Classification Sherloc (09022015). Collection method: clinical testing. Allele origin: germline.
Comment: This sequence change creates a premature translational stop signal (p.Ser2546Phefs*16) in the COL12A1 gene. It is expected to result in an absent or disrupted protein product. Loss-of-function variants in COL12A1 are known to be pathogenic (PMID: 24334604, 28973083). This variant is not present in population databases (gnomAD no frequency). This variant has not been reported in the literature in individuals affected with COL12A1-related conditions. For these reasons, this variant has been classified as Pathogenic.

Literature cited by the submitters: PubMed 24334604; PubMed 28973083.